The following is an entry in ClinVar:

ClinVar aggregate classification (germline): Uncertain significance (1 of 4 stars; one submission).

Submission:

Labcorp Genetics (formerly Invitae), Labcorp
Classification: Uncertain significance. Last evaluated: 2025-12-10. Review status: criteria provided, single submitter. Criteria: Invitae Variant Classification Sherloc (09022015). Collection method: clinical testing. Allele origin: germline.
Comment: This sequence change replaces alanine, which is neutral and non-polar, with isoleucine, which is neutral and non-polar, at codon 810 of the LRRC8A protein (p.Ala810Ile). This variant is present in population databases (no rsID available, gnomAD 0.002%). This variant has not been reported in the literature in individuals affected with LRRC8A-related conditions. ClinVar contains an entry for this variant (Variation ID: 1491872). An algorithm developed to predict the effect of missense changes on protein structure and function (PolyPhen-2) suggests that this variant is likely to be tolerated. In summary, the available evidence is currently insufficient to determine the role of this variant in disease. Therefore, it has been classified as a Variant of Uncertain Significance.

NM_019594.4(LRRC8A):c.2428_2429delinsAT (p.Ala810Ile)

Gene: LRRC8A (leucine rich repeat containing 8 VRAC subunit A; plus strand). Cytogenetic location: 9q34.11.
Variant type: Indel.
Coding change: c.2428_2429delinsAT on transcript NM_019594.4 (MANE Select); coding-DNA positions 2428 to 2429, GC replaced by AT.
Protein change: p.Ala810Ile; replaces alanine 810 with isoleucine.
Molecular consequence: missense variant.
Genome position (GRCh38, 1-based): chr9:128,916,366-128,916,367, GC replaced by AT. VCF-style: chr9-128916366-GC-AT. GRCh37 (hg19) VCF-style: chr9-131678645-GC-AT.
Other names: c.2428_2429delinsAT, p.Ala810Ile (NM_001127244.2, NM_001127245.2); short protein forms A810I.
Identifiers: ClinVar variation 1491872 (VCV001491872.8), dbSNP rs2131075714, ClinGen allele CA2573143928.